The following is an entry in ClinVar:

NM_000030.3(AGXT):c.856delinsCC (p.Asn286fs)

Gene: AGXT (alanine--glyoxylate aminotransferase; plus strand). Cytogenetic location: 2q37.3.
Variant type: Indel.
Coding change: c.856delinsCC on transcript NM_000030.3 (MANE Select); coding-DNA position 856, A replaced by CC.
Protein change: p.Asn286fs; shifts the reading frame from asparagine 286.
Molecular consequence: frameshift variant.
Genome position (GRCh38, 1-based): chr2:240,877,546, A replaced by CC. VCF-style: chr2-240877546-A-CC. GRCh37 (hg19) VCF-style: chr2-241816963-A-CC.
Other names: short protein forms N286fs.
Identifiers: ClinVar variation 2035288 (VCV002035288.4), dbSNP rs2528762183, ClinGen allele CA2580068042.

ClinVar aggregate classification (germline): Pathogenic (1 of 4 stars; one submission).

Submission:

Labcorp Genetics (formerly Invitae), Labcorp
Classification: Pathogenic. Last evaluated: 2021-12-01. Review status: criteria provided, single submitter. Criteria: Invitae Variant Classification Sherloc (09022015). Collection method: clinical testing. Allele origin: germline.
Comment: For these reasons, this variant has been classified as Pathogenic. This variant has not been reported in the literature in individuals affected with AGXT-related conditions. This variant is not present in population databases (gnomAD no frequency). This sequence change creates a premature translational stop signal (p.Asn286Profs*46) in the AGXT gene. It is expected to result in an absent or disrupted protein product. Loss-of-function variants in AGXT are known to be pathogenic (PMID: 19479957).

Literature cited by the submitters: PubMed 19479957.